The following is an entry in ClinVar:

ClinVar aggregate classification (germline): Uncertain significance (1 of 4 stars; one submission).

Conditions:
Hereditary cancer-predisposing syndrome. Also called: Neoplastic Syndromes, Hereditary; Tumor predisposition; Hereditary Cancer Syndrome; Hereditary neoplastic syndrome. Identifiers: Orphanet 140162, MedGen C0027672, MeSH D009386, MONDO:0015356.

Submission:

Ambry Genetics
Classification: Uncertain significance for Hereditary cancer-predisposing syndrome. Last evaluated: 2025-12-15. Review status: criteria provided, single submitter. Criteria: Ambry Variant Classification Scheme 2023. Collection method: clinical testing. Allele origin: germline.
Comment: The c.1545_1546delTC variant, located in coding exon 16 of the MUTYH gene, results from a deletion of two nucleotides at nucleotide positions 1545 to 1546, causing a translational frameshift with a predicted alternate stop codon (p.P516Vfs*15). This alteration occurs at the 3' terminus of the gene, is not expected to trigger nonsense-mediated mRNAdecay, and impacts the last 6% of the protein. The exact functional effect of this alteration is unknown. Based on the available evidence, the clinical significance of this variant remains unclear.

NM_001048174.2(MUTYH):c.1461_1462del (p.Pro488fs)

Gene: MUTYH (mutY DNA glycosylase; minus strand). Cytogenetic location: 1p34.1.
Variant type: Microsatellite.
Coding change: c.1461_1462del on transcript NM_001048174.2 (MANE Select); coding-DNA positions 1461 to 1462, 2 bases deleted (TC; older notation c.1461_1462delTC).
Protein change: p.Pro488fs; shifts the reading frame from proline 488.
Molecular consequence: frameshift variant. On other transcripts: non-coding transcript variant (7).
Genome position (GRCh38, 1-based): chr1:45,329,410-45,329,411, GA deleted on the plus strand (TC on the coding strand, the reverse complement: MUTYH is on the minus strand); deleting any 2 consecutive bases within chr1:45,329,410-45,329,414 gives the same sequence; the c. name uses the placement nearest the transcript's 3' end. VCF-style (leftmost placement, unchanged base first): chr1-45329409-GGA-G. GRCh37 (hg19) VCF-style: chr1-45795081-GGA-G.
Other names: c.1419_1420del, p.Pro474fs (NM_001407080.1); c.1461_1462del, p.Pro488fs (NM_001407081.1, NM_001407088.1, NM_001407089.1 and 6 more transcripts); c.1116_1117del, p.Pro373fs (NM_001407082.1, NM_001350650.2, NM_001350651.2); c.1503_1504del, p.Pro502fs (NM_001407083.1, NM_001407085.1); c.1464_1465del, p.Pro489fs (NM_001407086.1, NM_001048172.2, NM_001407071.1 and 1 more transcripts); c.1482_1483del, p.Pro495fs (NM_001407087.1); c.1185_1186del, p.Pro396fs (NM_001407091.1, NM_001293192.2, NM_001293196.2); c.1536_1537del, p.Pro513fs (NM_012222.3); and 7 more; short protein forms P396fs, P373fs, P460fs, P488fs, P489fs, P495fs, P499fs, P502fs.
Identifiers: ClinVar variation 4843750 (VCV004843750.1).
Genomic context (GRCh38, chr1:45,329,409, plus strand): 5'-TGAGACCGAAAGAAATTATCCAGGACTTGCTGGCCCATGCGGGGCTTTTTCCGACTGCAC[GGA>G]GAGGACACCTGGGACCTTTTGGAACCCTGTGAAAAAATGGAAGGAGGGAGGCCTTGTAGT-3'